The following is an entry in ClinVar:

NM_025137.4(SPG11):c.7326del (p.Gly2443fs)

Gene: SPG11 (SPG11 vesicle trafficking associated, spatacsin; minus strand). Cytogenetic location: 15q21.1.
Variant type: Deletion.
Coding change: c.7326del on transcript NM_025137.4 (MANE Select); coding-DNA position 7326, one base deleted (A; older notation c.7326delA).
Protein change: p.Gly2443fs; shifts the reading frame from glycine 2443.
Molecular consequence: frameshift variant.
Genome position (GRCh38, 1-based): chr15:44,563,127, T deleted on the plus strand (A on the coding strand, the reverse complement: SPG11 is on the minus strand). VCF-style (leftmost placement, unchanged base first): chr15-44563126-CT-C. GRCh37 (hg19) VCF-style: chr15-44855324-CT-C.
Other names: c.6987del, p.Gly2330fs (NM_001160227.2); short protein forms G2443fs, G2330fs.
Identifiers: ClinVar variation 534847 (VCV000534847.8), dbSNP rs751228307, ClinGen allele CA7533819.

ClinVar aggregate classification (germline): Uncertain significance. Review status: criteria provided, multiple submitters, no conflicts (2 of 4 stars). 3 submissions from 3 submitters: Uncertain significance (3). Last evaluated 2021-11-19.

Conditions:
Hereditary spastic paraplegia 11. Also called: Nakamura Osame syndrome; Autosomal recessive hereditary spastic paraplegia, mental impairment, and thin corpus callosum; Spastic paraplegia, mental retardation and thin corpus callosum; SPASTIC PARAPLEGIA, AUTOSOMAL RECESSIVE, COMPLICATED, WITH THIN CORPUS CALLOSUM; SPASTIC PARAPLEGIA, AUTOSOMAL RECESSIVE, WITH MENTAL IMPAIRMENT AND THIN CORPUS CALLOSUM; Spastic Paraplegia 11. Identifiers: Orphanet 2822, MedGen C1858479, MONDO:0011445, OMIM 604360.
Charcot-Marie-Tooth disease axonal type 2X. Also called: CHARCOT-MARIE-TOOTH DISEASE, AXONAL, AUTOSOMAL RECESSIVE, TYPE 2X; CHARCOT-MARIE-TOOTH NEUROPATHY, TYPE 2X. Identifiers: Orphanet 466775, MedGen C5569024, MONDO:0014726, OMIM 616668.
Amyotrophic lateral sclerosis type 5 (ALS5). Also called: AMYOTROPHIC LATERAL SCLEROSIS 5, JUVENILE. Identifiers: Orphanet 300605, MedGen C1865864, MONDO:0011196, OMIM 602099.
Inborn genetic diseases. Identifiers: MedGen C0950123, MeSH D030342.

Allele frequency attached by ClinVar (database versions not stated): ExAC 0.00001; gnomAD 0.00001; gnomAD exomes 0.00001; TOPMed 0.00002.

Submissions (3):

Fulgent Genetics
Classification: Uncertain significance for Amyotrophic lateral sclerosis type 5; Hereditary spastic paraplegia 11; Charcot-Marie-Tooth disease axonal type 2X. Last evaluated: 2021-11-19. Review status: criteria provided, single submitter. Criteria: ACMG Guidelines, 2015. Collection method: clinical testing. Allele origin: unknown.

Labcorp Genetics (formerly Invitae), Labcorp
Classification: Uncertain significance for Hereditary spastic paraplegia 11. Last evaluated: 2021-07-13. Review status: criteria provided, single submitter. Criteria: Invitae Variant Classification Sherloc (09022015). Collection method: clinical testing. Allele origin: germline.
Comment: This sequence change results in a frameshift in the SPG11 gene (p.Gly2443Valfs*3). While this is not anticipated to result in nonsense mediated decay, it is expected to disrupt the last 1 amino acid(s) of the SPG11 protein and extend the protein by 1 additional amino acid residues. This variant is present in population databases (rs751228307, ExAC 0.001%). This variant has not been reported in the literature in individuals affected with SPG11-related conditions. Experimental studies and prediction algorithms are not available or were not evaluated, and the functional significance of this variant is currently unknown. In summary, the available evidence is currently insufficient to determine the role of this variant in disease. Therefore, it has been classified as a Variant of Uncertain Significance.

Ambry Genetics
Classification: Uncertain significance for Inborn genetic diseases. Last evaluated: 2019-09-30. Review status: criteria provided, single submitter. Criteria: Ambry Variant Classification Scheme 2023. Collection method: clinical testing. Allele origin: germline.
Comment: The c.7326delA variant, located in coding exon 40 of the SPG11 gene, results from a deletion of one nucleotide at nucleotide position 7326, causing a translational frameshift with a predicted alternate stop codon (p.G2443Vfs*3). This frameshift occurs at the 3' terminus of SPG11, is not expected to trigger nonsense-mediated mRNA decay, and results in the elongation of the protein by one amino acid. Since supporting evidence is limited at this time, the clinical significance of this alteration remains unclear.